The following is an entry in ClinVar:

NM_012210.4(TRIM32):c.326G>A (p.Arg109Gln)

Genes: ASTN2 (astrotactin 2; minus strand), TRIM32 (tripartite motif containing 32; plus strand). Cytogenetic location: 9q33.1.
Variant type: single nucleotide variant.
Coding change: c.326G>A on transcript NM_012210.4 (MANE Select); coding-DNA position 326, G replaced by A.
Protein change: p.Arg109Gln; replaces arginine 109 with glutamine.
Molecular consequence: missense variant. On other transcripts: intron variant (3).
Genome position (GRCh38, 1-based): chr9:116,698,068, G>A. VCF-style: chr9-116698068-G-A. GRCh37 (hg19) VCF-style: chr9-119460347-G-A.
Other names: c.326G>A, p.Arg109Gln (NM_001379048.1, NM_001379049.1, NM_001379050.1 and 1 more transcripts); c.2653+27703C>T (NM_014010.5); c.2794+27703C>T (NM_001365069.1); c.2806+27703C>T (NM_001365068.1); short protein forms R109Q.
Identifiers: ClinVar variation 1394492 (VCV001394492.7), dbSNP rs748324526, ClinGen allele CA5210945.
Genomic context (GRCh38, chr9:116,698,068, plus strand): 5'-CTGGGCTCAGCGAGGCTGTGGGGCTGCTCATGTGTCGGTCCTGTGGGCGGCGTCTGCCCC[G>A]GCAATTCTGCCGGAGCTGTGGTTTGGTGTTATGTGAGCCCTGCCGGGAGGCAGACCATCA-3'
Protein context (NP_036342.2, residues 99-119): MCRSCGRRLP[Arg109Gln]QFCRSCGLVL

ClinVar aggregate classification (germline): Uncertain significance. Review status: criteria provided, multiple submitters, no conflicts (2 of 4 stars). 3 submissions from 3 submitters: Uncertain significance (3). Last evaluated 2026-04-11.

Conditions:
TRIM32-related disorder. Also called: TRIM32-related condition.
Bardet-Biedl syndrome (BBS). Identifiers: Orphanet 110, MedGen C0752166, MONDO:0015229.
Inborn genetic diseases. Identifiers: MedGen C0950123, MeSH D030342.

Allele frequency attached by ClinVar (database versions not stated): gnomAD exomes 0.00001 and 0.00002; ExAC 0.00002.
gnomAD v4.1: 13 of 1,614,022 alleles (0.00081%); highest among the groups gnomAD compares: African/African-American, 0.0027%; no homozygotes.

Submissions (3):

PreventionGenetics, part of Exact Sciences
Classification: Uncertain significance for TRIM32-related condition. Last evaluated: 2026-04-11. Review status: criteria provided, single submitter. Criteria: ACMG Guidelines, 2015. Collection method: clinical testing. Allele origin: germline.
Comment: The TRIM32 c.326G>A variant is predicted to result in the amino acid substitution p.Arg109Gln. To our knowledge, this variant has not been reported in the literature. This variant is reported in 0.0054% of alleles in individuals of East Asian descent in gnomAD. At this time, the clinical significance of this variant is uncertain due to the absence of conclusive functional and genetic evidence.

Ambry Genetics
Classification: Uncertain significance for Inborn genetic diseases. Last evaluated: 2023-08-22. Review status: criteria provided, single submitter. Criteria: Ambry Variant Classification Scheme 2023. Collection method: clinical testing. Allele origin: germline.

Labcorp Genetics (formerly Invitae), Labcorp
Classification: Uncertain significance for Bardet-Biedl syndrome. Last evaluated: 2022-03-30. Review status: criteria provided, single submitter. Criteria: Invitae Variant Classification Sherloc (09022015). Collection method: clinical testing. Allele origin: germline.
Comment: This sequence change replaces arginine, which is basic and polar, with glutamine, which is neutral and polar, at codon 109 of the TRIM32 protein (p.Arg109Gln). This variant is present in population databases (rs748324526, gnomAD 0.006%). This variant has not been reported in the literature in individuals affected with TRIM32-related conditions. Algorithms developed to predict the effect of missense changes on protein structure and function are either unavailable or do not agree on the potential impact of this missense change (SIFT: "Deleterious"; PolyPhen-2: "Benign"; Align-GVGD: "Class C35"). Algorithms developed to predict the effect of sequence changes on RNA splicing suggest that this variant may create or strengthen a splice site. In summary, the available evidence is currently insufficient to determine the role of this variant in disease. Therefore, it has been classified as a Variant of Uncertain Significance.